The following is an entry in ClinVar:

NM_001264.5(CDSN):c.1444G>A (p.Gly482Ser)

Genes: CDSN (corneodesmosin; minus strand), PSORS1C1 (psoriasis susceptibility 1 candidate 1; plus strand). Cytogenetic location: 6p21.33.
Variant type: single nucleotide variant.
Coding change: c.1444G>A on transcript NM_001264.5 (MANE Select); coding-DNA position 1444, G replaced by A.
Protein change: p.Gly482Ser; replaces glycine 482 with serine.
Molecular consequence: missense variant. On other transcripts: intron variant (1).
Genome position (GRCh38, 1-based): chr6:31,116,171, C>T on the plus strand (G>A on the coding strand, the complement: CDSN is on the minus strand). VCF-style: chr6-31116171-C-T. GRCh37 (hg19) VCF-style: chr6-31083948-C-T.
Other names: c.-229+1280C>T (NM_014068.3); short protein forms G482S.
Identifiers: ClinVar variation 1388026 (VCV001388026.6), dbSNP rs1043716279, ClinGen allele CA136803315.

ClinVar aggregate classification (germline): Uncertain significance (1 of 4 stars; one submission).

Allele frequency attached by ClinVar (database versions not stated): gnomAD 0.00001; gnomAD exomes 0.00001; TOPMed 0.00001.
gnomAD v4.1: 21 of 1,612,014 alleles (0.0013%); highest among the groups gnomAD compares: Middle Eastern, 0.016%; no homozygotes.

Submission:

Labcorp Genetics (formerly Invitae), Labcorp
Classification: Uncertain significance. Last evaluated: 2023-03-31. Review status: criteria provided, single submitter. Criteria: Invitae Variant Classification Sherloc (09022015). Collection method: clinical testing. Allele origin: germline.
Comment: This sequence change replaces glycine, which is neutral and non-polar, with serine, which is neutral and polar, at codon 482 of the CDSN protein (p.Gly482Ser). This variant is not present in population databases (gnomAD no frequency). This variant has not been reported in the literature in individuals affected with CDSN-related conditions. ClinVar contains an entry for this variant (Variation ID: 1388026). Advanced modeling of protein sequence and biophysical properties (such as structural, functional, and spatial information, amino acid conservation, physicochemical variation, residue mobility, and thermodynamic stability) has been performed at Invitae for this missense variant, however the output from this modeling did not meet the statistical confidence thresholds required to predict the impact of this variant on CDSN protein function. In summary, the available evidence is currently insufficient to determine the role of this variant in disease. Therefore, it has been classified as a Variant of Uncertain Significance.